The following is an entry in ClinVar:

ClinVar aggregate classification (germline): Likely pathogenic (1 of 4 stars; one submission).

Conditions:
Growth retardation, intellectual developmental disorder, hypotonia, and hepatopathy (GRIDHH). Also called: GROWTH RETARDATION, IMPAIRED INTELLECTUAL DEVELOPMENT, HYPOTONIA, AND HEPATOPATHY. Identifiers: Orphanet 541423, MedGen C4310720, MONDO:0014911, OMIM 617093.

Submission:

Juno Genomics, Hangzhou Juno Genomics, Inc
Classification: Likely pathogenic for Growth retardation, intellectual developmental disorder, hypotonia, and hepatopathy. Review status: criteria provided, single submitter. Criteria: ACMG Guidelines, 2015. Collection method: clinical testing. Allele origin: germline.
Comment: Absent from controls (or at extremely low frequency if recessive) in Genome Aggregation Database.;Multiple lines of computational evidence support a deleterious effect on the gene or gene product.;Patient's phenotype or family history is highly specific for a disease with a single genetic etiology.

NM_002161.6(IARS1):c.701T>C (p.Leu234Pro)

Gene: IARS1 (isoleucyl-tRNA synthetase 1; minus strand). Cytogenetic location: 9q22.31.
Variant type: single nucleotide variant.
Coding change: c.701T>C on transcript NM_002161.6 (MANE Select); coding-DNA position 701, T replaced by C.
Protein change: p.Leu234Pro; replaces leucine 234 with proline.
Molecular consequence: missense variant. On other transcripts: non-coding transcript variant (1).
Genome position (GRCh38, 1-based): chr9:92,280,790, A>G on the plus strand (T>C on the coding strand, the complement: IARS1 is on the minus strand). VCF-style: chr9-92280790-A-G. GRCh37 (hg19) VCF-style: chr9-95043072-A-G.
Other names: c.701T>C, p.Leu234Pro (NM_001374299.1, NM_001374300.1, NM_001374301.1 and 15 more transcripts); c.764T>C, p.Leu255Pro (NM_001378569.1); c.578T>C, p.Leu193Pro (NM_001378583.1); short protein forms L193P, L255P, L234P.
Identifiers: ClinVar variation 5007474 (VCV005007474.2).